The following is an entry in ClinVar:

ClinVar aggregate classification (germline): Pathogenic (1 of 4 stars; one submission).

Conditions:
Hereditary breast ovarian cancer syndrome. Also called: Hereditary breast and ovarian cancer; Breast and ovarian cancer; BRCA1- and BRCA2-Associated Hereditary Breast and Ovarian Cancer; Hereditary breast and/or ovarian cancer syndrome; Hereditary breast and ovarian cancer syndrome; Hereditary breast and ovarian cancer syndrome (HBOC). Identifiers: Orphanet 145, MedGen C0677776, MeSH D061325, MONDO:0003582. Disease mechanism: loss of function.

Submission:

Labcorp Genetics (formerly Invitae), Labcorp
Classification: Pathogenic for Hereditary breast ovarian cancer syndrome. Last evaluated: 2021-04-02. Review status: criteria provided, single submitter. Criteria: Invitae Variant Classification Sherloc (09022015). Collection method: clinical testing. Allele origin: germline.
Comment: This variant has not been reported in the literature in individuals with BRCA2-related conditions. This variant is not present in population databases (ExAC no frequency). This sequence change creates a premature translational stop signal (p.Glu1126Aspfs*24) in the BRCA2 gene. It is expected to result in an absent or disrupted protein product. Loss-of-function variants in BRCA2 are known to be pathogenic (PMID: 20104584). For these reasons, this variant has been classified as Pathogenic.

Literature cited by the submitters: PubMed 20104584.

NM_000059.4(BRCA2):c.3378del (p.Glu1126fs)

Gene: BRCA2 (BRCA2 DNA repair associated; plus strand). Cytogenetic location: 13q13.1.
Variant type: Deletion.
Coding change: c.3378del on transcript NM_000059.4 (MANE Select); coding-DNA position 3378, one base deleted (A; older notation c.3378delA).
Protein change: p.Glu1126fs; shifts the reading frame from glutamic acid 1126.
Molecular consequence: frameshift variant.
Genome position (GRCh38, 1-based): chr13:32,337,733, A deleted; the last of 2 consecutive A bases (chr13:32,337,732-32,337,733); deleting either gives the same sequence. VCF-style (leftmost placement, unchanged base first): chr13-32337731-GA-G. GRCh37 (hg19) VCF-style: chr13-32911868-GA-G.
Other names: short protein forms E1126fs.
Identifiers: ClinVar variation 1456186 (VCV001456186.6), dbSNP rs2137495970, ClinGen allele CA2573149305.